The following is an entry in ClinVar:

NM_001191061.2(SLC25A22):c.757C>G (p.Leu253Val)

Gene: SLC25A22 (solute carrier family 25 member 22; minus strand). Cytogenetic location: 11p15.5.
Variant type: single nucleotide variant.
Coding change: c.757C>G on transcript NM_001191061.2 (MANE Select); coding-DNA position 757, C replaced by G.
Protein change: p.Leu253Val; replaces leucine 253 with valine.
Molecular consequence: missense variant.
Genome position (GRCh38, 1-based): chr11:792,203, G>C on the plus strand (C>G on the coding strand, the complement: SLC25A22 is on the minus strand). VCF-style: chr11-792203-G-C. GRCh37 (hg19) VCF-style: chr11-792203-G-C.
Other names: c.757C>G (NM_024698.5); c.757C>G, p.Leu253Val (NM_001191060.2, NM_024698.6); short protein forms L253V.
Identifiers: ClinVar variation 1468979 (VCV001468979.8), dbSNP rs1565035315, ClinGen allele CA378967931.

ClinVar aggregate classification (germline): Uncertain significance. Review status: criteria provided, multiple submitters, no conflicts (2 of 4 stars). 2 submissions from 2 submitters: Uncertain significance (2). Last evaluated 2024-05-01.

Conditions:
Early-infantile DEE. Also called: Early infantile epileptic encephalopathy with suppression bursts; Early infantile epileptic encephalopathy; Ohtahara syndrome. Identifiers: Orphanet 1934, MedGen C0393706, MONDO:0800491.
Inborn genetic diseases. Identifiers: MedGen C0950123, MeSH D030342.

Allele frequency attached by ClinVar (database versions not stated): gnomAD exomes 0.00001 and below 0.00001.

Submissions (2):

Ambry Genetics
Classification: Uncertain significance for Inborn genetic diseases. Last evaluated: 2024-05-01. Review status: criteria provided, single submitter. Criteria: Ambry Variant Classification Scheme 2023. Collection method: clinical testing. Allele origin: germline.

Labcorp Genetics (formerly Invitae), Labcorp
Classification: Uncertain significance for Early-infantile DEE. Last evaluated: 2022-02-17. Review status: criteria provided, single submitter. Criteria: Invitae Variant Classification Sherloc (09022015). Collection method: clinical testing. Allele origin: germline.
Comment: This sequence change replaces leucine, which is neutral and non-polar, with valine, which is neutral and non-polar, at codon 253 of the SLC25A22 protein (p.Leu253Val). This variant is present in population databases (no rsID available, gnomAD 0.0009%). This variant has not been reported in the literature in individuals affected with SLC25A22-related conditions. Algorithms developed to predict the effect of missense changes on protein structure and function are either unavailable or do not agree on the potential impact of this missense change (SIFT: "Deleterious"; PolyPhen-2: "Probably Damaging"; Align-GVGD: "Class C15"). In summary, the available evidence is currently insufficient to determine the role of this variant in disease. Therefore, it has been classified as a Variant of Uncertain Significance.